The following is an entry in ClinVar:

ClinVar aggregate classification (germline): Uncertain significance (1 of 4 stars; one submission).

Conditions:
Cardiovascular phenotype. Identifiers: MedGen CN230736.

gnomAD v4.1: 1 of 1,614,252 alleles (0.000062%); no homozygotes.

Submission:

Ambry Genetics
Classification: Uncertain significance for Cardiovascular phenotype. Last evaluated: 2026-07-07. Review status: criteria provided, single submitter. Criteria: Ambry Variant Classification Scheme 2023. Collection method: clinical testing. Allele origin: germline.
Comment: The p.C78Y variant (also known as c.233G>A), located in coding exon 2 of the DSP gene, results from a G to A substitution at nucleotide position 233. The cysteine at codon 78 is replaced by tyrosine, an amino acid with highly dissimilar properties. This amino acid position is conserved. In addition, this alteration is predicted to be deleterious by in silico analysis. Based on the available evidence, the clinical significance of this variant remains unclear.

NM_004415.4(DSP):c.233G>A (p.Cys78Tyr)

Gene: DSP (desmoplakin; plus strand). Cytogenetic location: 6p24.3.
Variant type: single nucleotide variant.
Coding change: c.233G>A on transcript NM_004415.4 (MANE Select); coding-DNA position 233, G replaced by A.
Protein change: p.Cys78Tyr; replaces cysteine 78 with tyrosine.
Molecular consequence: missense variant.
Genome position (GRCh38, 1-based): chr6:7,555,780, G>A. VCF-style: chr6-7555780-G-A. GRCh37 (hg19) VCF-style: chr6-7556013-G-A.
Other names: c.233G>A, p.Cys78Tyr (NM_001008844.3, NM_001319034.2, NM_001406591.1); short protein forms C78Y.
Identifiers: ClinVar variation 5035643 (VCV005035643.1).
Genomic context (GRCh38, chr6:7,555,780, plus strand): 5'-AAACCGGCACGATGTCCAGGCACCAGAACCAGAACACCATCCAGGAGCTGCTGCAGAACT[G>A]CTCCGACTGCTTGATGCGAGCAGAGCTCATCGTGCAGCCTGTAAGCTTTCCCTGTTCCCA-3'
Protein context (NP_004406.2, residues 68-88): QNTIQELLQN[Cys78Tyr]SDCLMRAELI